The following is an entry in ClinVar:

ClinVar aggregate classification (germline): Uncertain significance. Review status: criteria provided, multiple submitters, no conflicts (2 of 4 stars). 5 submissions from 5 submitters: Uncertain significance (5). Last evaluated 2026-10-09.

Conditions:
Inborn genetic diseases. Identifiers: MedGen C0950123, MeSH D030342.
Ullrich congenital muscular dystrophy 2 (UCMD2). Identifiers: Orphanet 75840, MedGen C4225314, MONDO:0014654, OMIM 616470.
Bethlem myopathy 2 (BTHLM2). Identifiers: Orphanet 536516, Orphanet 610, MedGen C4225313, MONDO:0034022, OMIM 616471.

Allele frequency attached by ClinVar (database versions not stated): TOPMed below 0.00001; gnomAD 0.00001; gnomAD exomes 0.00003; ExAC 0.00003.
gnomAD v4.1: 27 of 1,537,944 alleles (0.0018%); highest among the groups gnomAD compares: Non-Finnish European, 0.0019%; no homozygotes.

Submissions (5):

GeneDx
Classification: Uncertain significance. Last evaluated: 2026-10-09. Review status: criteria provided, single submitter. Criteria: GeneDx Variant Classification Process June 2021. Collection method: clinical testing. Allele origin: germline.
Comment: In silico analysis suggests that this missense variant does not alter protein structure/function; Has not been previously published as pathogenic or benign to our knowledge

Women's Health and Genetics/Laboratory Corporation of America, LabCorp
Classification: Uncertain significance. Last evaluated: 2026-06-29. Review status: criteria provided, single submitter. Criteria: LabCorp Variant Classification Summary - May 2015. Collection method: clinical testing. Allele origin: germline.

Labcorp Genetics (formerly Invitae), Labcorp
Classification: Uncertain significance for Bethlem myopathy 2; Ullrich congenital muscular dystrophy 2. Last evaluated: 2025-11-16. Review status: criteria provided, single submitter. Criteria: Invitae Variant Classification Sherloc (09022015). Collection method: clinical testing. Allele origin: germline.
Comment: This sequence change replaces valine, which is neutral and non-polar, with alanine, which is neutral and non-polar, at codon 25 of the COL12A1 protein (p.Val25Ala). This variant is present in population databases (rs770874037, gnomAD 0.01%). This variant has not been reported in the literature in individuals affected with COL12A1-related conditions. ClinVar contains an entry for this variant (Variation ID: 1315946). An algorithm developed to predict the effect of missense changes on protein structure and function (PolyPhen-2) suggests that this variant is likely to be tolerated. In summary, the available evidence is currently insufficient to determine the role of this variant in disease. Therefore, it has been classified as a Variant of Uncertain Significance.

Mayo Clinic Laboratories, Mayo Clinic
Classification: Uncertain significance. Last evaluated: 2025-07-17. Review status: criteria provided, single submitter. Criteria: ACMG Guidelines, 2015. Collection method: clinical testing. Allele origin: germline. Observed: 1 variant allele.

Ambry Genetics
Classification: Uncertain significance for Inborn genetic diseases. Last evaluated: 2025-04-20. Review status: criteria provided, single submitter. Criteria: Ambry Variant Classification Scheme 2023. Collection method: clinical testing. Allele origin: germline.

NM_004370.6(COL12A1):c.74T>C (p.Val25Ala)

Gene: COL12A1 (collagen type XII alpha 1 chain; minus strand). Cytogenetic location: 6q13.
Variant type: single nucleotide variant.
Coding change: c.74T>C on transcript NM_004370.6 (MANE Select); coding-DNA position 74, T replaced by C.
Protein change: p.Val25Ala; replaces valine 25 with alanine.
Molecular consequence: missense variant. On other transcripts: intron variant (1).
Genome position (GRCh38, 1-based): chr6:75,194,947, A>G on the plus strand (T>C on the coding strand, the complement: COL12A1 is on the minus strand). VCF-style: chr6-75194947-A-G. GRCh37 (hg19) VCF-style: chr6-75904663-A-G.
Other names: p.Val25Ala; c.73+7773T>C (NM_080645.3); short protein forms V25A.
Identifiers: ClinVar variation 1315946 (VCV001315946.11), dbSNP rs770874037, ClinGen allele CA3894522.
Genomic context (GRCh38, chr6:75,194,947, plus strand): 5'-CATGACATATGAACAGTATTTTCATCTATAATTTTAAAATTCAAGTCTGAAGGTGGGTCA[A>G]CTGCAAAAGAGAGAGTTTATATTATTAAACTTTTCAATGTCACAAAATGGTCAATTTAAT-3'
Protein context (NP_004361.3, residues 15-35): ALLLSSIEAE[Val25Ala]DPPSDLNFKI